The following is an entry in ClinVar:

NM_001218.5(CA12):c.156C>A (p.Gly52=)

Gene: CA12 (carbonic anhydrase 12; minus strand). Cytogenetic location: 15q22.2.
Variant type: single nucleotide variant.
Coding change: c.156C>A on transcript NM_001218.5 (MANE Select); coding-DNA position 156, C replaced by A.
Protein change: p.Gly52=; no amino-acid change (glycine 52 retained).
Molecular consequence: synonymous variant. On other transcripts: non-coding transcript variant (1), intron variant (1).
Genome position (GRCh38, 1-based): chr15:63,346,660, G>T on the plus strand (C>A on the coding strand, the complement: CA12 is on the minus strand). VCF-style: chr15-63346660-G-T. GRCh37 (hg19) VCF-style: chr15-63638859-G-T.
Other names: c.156C>A, p.Gly52= (NM_206925.3); c.107-1041C>A (NM_001293642.2); c.156C>A (NM_001218.4).
Identifiers: ClinVar variation 2645426 (VCV002645426.25), dbSNP rs1285248490, ClinGen allele CA490702442.
Genomic context (GRCh38, chr15:63,346,660, plus strand): 5'-CGTGAGGCTGGCGTCATACTGGAGGATGTCACTGTGCAGGTCTATGGGGGACTGCAGCAG[G>T]CCCCCACACGACGGGTACTTCTTGGACCAGCTATTCTCCCCATCAGGACCTGGACACAGA-3'
Protein context (NP_001209.1, residues 42-62): SWSKKYPSCG[Gly52=]LLQSPIDLHS

ClinVar aggregate classification (germline): Likely benign. Review status: criteria provided, single submitter (1 of 4 stars). 2 submissions from 2 submitters: Likely benign (1). 1 of the submissions does not count toward it. Last evaluated 2023-10-01.

Conditions:
CA12-related disorder. Also called: CA12-related condition.

Submissions (2):

CeGaT Center for Human Genetics Tuebingen
Classification: Likely benign. Last evaluated: 2023-10-01. Review status: criteria provided, single submitter. Criteria: CeGaT Center For Human Genetics Tuebingen Variant Classification Criteria Version 2. Collection method: clinical testing. Allele origin: germline. Affected: yes. Observed: 1 variant allele.
Comment: CA12: PM2:Supporting, BP4, BP7

PreventionGenetics, part of Exact Sciences
Classification: Likely benign for CA12-related condition. Last evaluated: 2019-08-01. Review status: no assertion criteria provided. Collection method: clinical testing. Allele origin: germline. Not counted in ClinVar's aggregate classification.
Comment: This variant is classified as likely benign based on ACMG/AMP sequence variant interpretation guidelines (Richards et al. 2015 PMID: 25741868, with internal and published modifications).